The following is an entry in ClinVar:

ClinVar aggregate classification (germline): Benign. Review status: criteria provided, multiple submitters, no conflicts (2 of 4 stars). 2 submissions from 2 submitters: Benign (2). Last evaluated 2018-01-13.

Conditions:
Congenital bile acid synthesis defect 2 (CBAS2). Also called: CHOLESTASIS WITH DELTA(4)-3-OXOSTEROID 5-BETA-REDUCTASE DEFICIENCY. Identifiers: Orphanet 79303, MedGen C1856127, MONDO:0009339, OMIM 235555.

Allele frequency attached by ClinVar (database versions not stated): 1000 Genomes Project 0.06450; 1000 Genomes Project 30x 0.06746; TOPMed 0.09325.

Submissions (2):

Illumina Laboratory Services, Illumina
Classification: Benign for Congenital bile acid synthesis defect 2. Last evaluated: 2018-01-13. Review status: criteria provided, single submitter. Criteria: ICSL Variant Classification Criteria 13 December 2019. Collection method: clinical testing. Allele origin: germline.
Comment: This variant was observed in the ICSL laboratory as part of a predisposition screen in an ostensibly healthy population. It had not been previously curated by ICSL or reported in the Human Gene Mutation Database (HGMD: prior to June 1st, 2018), and was therefore a candidate for classification through an automated scoring system. Utilizing variant allele frequency, disease prevalence and penetrance estimates, and inheritance mode, an automated score was calculated to assess if this variant is too frequent to cause the disease. Based on the score and internal cut-off values, a variant classified as benign is not then subjected to further curation. The score for this variant resulted in a classification of benign for this disease.

Breakthrough Genomics
Classification: Benign. Review status: criteria provided, single submitter. Criteria: ACMG Guidelines, 2015. Collection method: not provided. Allele origin: germline. Inheritance: Autosomal recessive inheritance. Affected: yes.

NM_005989.4(AKR1D1):c.*1153C>G

Gene: AKR1D1 (aldo-keto reductase family 1 member D1; plus strand). Cytogenetic location: 7q33.
Variant type: single nucleotide variant.
Coding change: c.*1153C>G on transcript NM_005989.4 (MANE Select); 1153 bases downstream of the stop codon, C replaced by G.
Molecular consequence: 3 prime UTR variant.
Genome position (GRCh38, 1-based): chr7:138,117,815, C>G. VCF-style: chr7-138117815-C-G. GRCh37 (hg19) VCF-style: chr7-137802561-C-G.
Other names: c.*1153C>G (NM_001190906.2); c.*1178C>G (NM_001190907.2).
Identifiers: ClinVar variation 358979 (VCV000358979.6), dbSNP rs112833888, ClinGen allele CA10628225.